The following is an entry in ClinVar:

ClinVar aggregate classification (germline): Uncertain significance (1 of 4 stars; one submission).

Submission:

Ambry Genetics
Classification: Uncertain significance. Last evaluated: 2024-02-25. Review status: criteria provided, single submitter. Criteria: Ambry Variant Classification Scheme 2023. Collection method: clinical testing. Allele origin: germline.
Comment: The p.N732D variant (also known as c.2194A>G), located in coding exon 4 of the ALPK2 gene, results from an A to G substitution at nucleotide position 2194. The asparagine at codon 732 is replaced by aspartic acid, an amino acid with highly similar properties. This amino acid position is conserved. In addition, this alteration is predicted to be tolerated by in silico analysis. Based on the available evidence, the clinical significance of this alteration remains unclear.

NM_052947.4(ALPK2):c.2194A>G (p.Asn732Asp)

Gene: ALPK2 (alpha kinase 2; minus strand). Cytogenetic location: 18q21.31.
Variant type: single nucleotide variant.
Coding change: c.2194A>G on transcript NM_052947.4 (MANE Select); coding-DNA position 2194, A replaced by G.
Protein change: p.Asn732Asp; replaces asparagine 732 with aspartic acid.
Molecular consequence: missense variant.
Genome position (GRCh38, 1-based): chr18:58,537,993, T>C on the plus strand (A>G on the coding strand, the complement: ALPK2 is on the minus strand). VCF-style: chr18-58537993-T-C. GRCh37 (hg19) VCF-style: chr18-56205225-T-C.
Other names: short protein forms N732D.
Identifiers: ClinVar variation 3228621 (VCV003228621.1), dbSNP rs2518878000, ClinGen allele CA402571301.